The following is an entry in ClinVar:

ClinVar aggregate classification (germline): Benign/Likely benign. Review status: criteria provided, multiple submitters, no conflicts (2 of 4 stars). 15 submissions from 15 submitters: Benign (7); Likely benign (4). 4 of the submissions do not count toward it. Last evaluated 2026-08-01.

Conditions:
Cardiomyopathy (CMYO). Also called: Cardiomyopathies. Identifiers: Orphanet 167848, MedGen C0878544, MONDO:0004994, HP:0001638. Inheritance: Various modes of inheritance.
Dilated cardiomyopathy 1W (CMD1W). Identifiers: Orphanet 154, MedGen C1969639, MONDO:0012667, OMIM 611407.

Allele frequency attached by ClinVar (database versions not stated): gnomAD 0.00380 and 0.00355; gnomAD exomes 0.00085; 1000 Genomes Project 0.00379; TOPMed 0.00379; ESP Exome Variant Server 0.00392; ExAC 0.00121; 1000 Genomes Project 30x 0.00468.
gnomAD v4.1: 1,008 of 1,613,324 alleles (0.062%); highest among the groups gnomAD compares: African/African-American, 1.2%; 9 homozygotes.

Submissions (15):

CeGaT Center for Human Genetics Tuebingen
Classification: Likely benign. Last evaluated: 2026-08-01. Review status: criteria provided, single submitter. Criteria: CeGaT Center For Human Genetics Tuebingen Variant Classification Criteria Version 2. Collection method: clinical testing. Allele origin: germline. Affected: yes. Observed: 2 variant alleles.
Comment: VCL: BP4, BP7, BS1

Labcorp Genetics (formerly Invitae), Labcorp
Classification: Benign for Dilated cardiomyopathy 1W. Last evaluated: 2026-02-02. Review status: criteria provided, single submitter. Criteria: Invitae Variant Classification Sherloc (09022015). Collection method: clinical testing. Allele origin: germline.

Molecular Diagnostic Laboratory for Inherited Cardiovascular Disease, Montreal Heart Institute
Classification: Likely benign. Last evaluated: 2025-04-09. Review status: criteria provided, single submitter. Criteria: ACMG Guidelines, 2015. Collection method: clinical testing. Allele origin: germline. Affected: no.

Mayo Clinic Laboratories, Mayo Clinic
Classification: Benign. Last evaluated: 2023-12-05. Review status: criteria provided, single submitter. Criteria: ACMG Guidelines, 2015. Collection method: clinical testing. Allele origin: germline. Observed: 3 variant alleles.
Comment: BS1, BS2, BP4, BP7

ARUP Laboratories, Molecular Genetics and Genomics, ARUP Laboratories
Classification: Benign. Last evaluated: 2023-03-09. Review status: criteria provided, single submitter. Criteria: ARUP Molecular Germline Variant Investigation Process 2024. Collection method: clinical testing. Allele origin: germline.

CHEO Genetics Diagnostic Laboratory, Children's Hospital of Eastern Ontario
Classification: Benign for Cardiomyopathy. Last evaluated: 2019-05-13. Review status: criteria provided, single submitter. Criteria: ACMG Guidelines, 2015. Collection method: clinical testing. Allele origin: germline.

Illumina Laboratory Services, Illumina
Classification: Likely benign for Dilated cardiomyopathy 1W. Last evaluated: 2018-01-13. Review status: criteria provided, single submitter. Criteria: ICSL Variant Classification Criteria 13 December 2019. Collection method: clinical testing. Allele origin: germline.
Comment: This variant was observed in the ICSL laboratory as part of a predisposition screen in an ostensibly healthy population. It had not been previously curated by ICSL or reported in the Human Gene Mutation Database (HGMD: prior to June 1st, 2018), and was therefore a candidate for classification through an automated scoring system. Utilizing variant allele frequency, disease prevalence and penetrance estimates, and inheritance mode, an automated score was calculated to assess if this variant is too frequent to cause the disease. Based on the score and internal cut-off values, a variant classified as likely benign is not then subjected to further curation. The score for this variant resulted in a classification of likely benign for this disease.

Women's Health and Genetics/Laboratory Corporation of America, LabCorp
Classification: Benign. Last evaluated: 2016-02-09. Review status: criteria provided, single submitter. Criteria: LabCorp Variant Classification Summary - May 2015. Collection method: clinical testing. Allele origin: germline.
Comment: Variant summary: This c.1542C>T variant affects a non-conserved nucleotide, resulting in synonymous amino acid change. 5/5 programs in Alamut predict that this variant does not affect normal splicing. This variant was found in 126/104130 control chromosomes from ExAC at a frequency of 0.00121, which is more than 47 times greater than the maximal expected frequency of a pathogenic allele (0.000025) in this gene, suggesting this variant is benign. This variant is more frequent in African population with allele frequency of 1.3% (120/9012 chromosomes). Multiple clinical labs have classified this variant as benign. Taken together, this variant has been classified as Benign.

GeneDx
Classification: Benign. Last evaluated: 2014-08-27. Review status: criteria provided, single submitter. Criteria: GeneDx Variant Classification (06012015). Collection method: clinical testing. Allele origin: germline. Affected: yes.
Comment: This variant is considered likely benign or benign based on one or more of the following criteria: it is a conservative change, it occurs at a poorly conserved position in the protein, it is predicted to be benign by multiple in silico algorithms, and/or has population frequency not consistent with disease.

Laboratory for Molecular Medicine, Mass General Brigham Personalized Medicine
Classification: Benign. Last evaluated: 2010-03-16. Review status: criteria provided, single submitter. Criteria: LMM Criteria. Collection method: clinical testing. Allele origin: germline. Observed: 9 variant alleles.

Breakthrough Genomics
Classification: Likely benign. Review status: criteria provided, single submitter. Criteria: ACMG Guidelines, 2015. Collection method: not provided. Allele origin: germline. Inheritance: Autosomal dominant inheritance. Affected: yes.

Clinical Genetics DNA and cytogenetics Diagnostics Lab, Erasmus MC, Erasmus Medical Center
Classification: Benign. Review status: no assertion criteria provided. Collection method: clinical testing. Allele origin: germline. Affected: yes. Study: VKGL Data-share Consensus. Not counted in ClinVar's aggregate classification.

Clinical Genetics, Academic Medical Center
Classification: Benign. Review status: no assertion criteria provided. Collection method: clinical testing. Allele origin: germline. Affected: yes. Study: VKGL Data-share Consensus. Not counted in ClinVar's aggregate classification.

Diagnostic Laboratory, Department of Genetics, University Medical Center Groningen
Classification: Likely benign. Review status: no assertion criteria provided. Collection method: clinical testing. Allele origin: germline. Affected: yes. Study: VKGL Data-share Consensus. Not counted in ClinVar's aggregate classification.

Genome Diagnostics Laboratory, University Medical Center Utrecht
Classification: Benign. Review status: no assertion criteria provided. Collection method: clinical testing. Allele origin: germline. Affected: yes. Study: VKGL Data-share Consensus. Not counted in ClinVar's aggregate classification.

NM_014000.3(VCL):c.1542C>T (p.Val514=)

Gene: VCL (vinculin; plus strand). Cytogenetic location: 10q22.2.
Variant type: single nucleotide variant.
Coding change: c.1542C>T on transcript NM_014000.3 (MANE Select); coding-DNA position 1542, C replaced by T.
Protein change: p.Val514=; no amino-acid change (valine 514 retained).
Molecular consequence: synonymous variant.
Genome position (GRCh38, 1-based): chr10:74,094,460, C>T. VCF-style: chr10-74094460-C-T. GRCh37 (hg19) VCF-style: chr10-75854218-C-T.
Other names: p.V514V:GTC>GTT; p.Val514=; c.1542C>T, p.Val514= (NM_003373.4).
Identifiers: ClinVar variation 45581 (VCV000045581.42), dbSNP rs7904077, ClinGen allele CA136700.
Genomic context (GRCh38, chr10:74,094,460, plus strand): 5'-GGGCAAGATTGAGCAAGCACAGCGGTGGATTGATAATCCCACAGTGGATGACCGTGGAGT[C>T]GGTAAGGGCAGCAGTGCACTATAACCTCATTAAATTGGTCTCAGTGCAAATAAGCAAGTT-3'
Protein context (NP_054706.1, residues 504-524): IDNPTVDDRG[Val514=]GQAAIRGLVA